The following is an entry in ClinVar:

NM_144499.3(GNAT1):c.708+3G>A

Gene: GNAT1 (G protein subunit alpha transducin 1; plus strand). Cytogenetic location: 3p21.31.
Variant type: single nucleotide variant.
Coding change: c.708+3G>A on transcript NM_144499.3 (MANE Select); 3 bases into the intron after coding-DNA position 708, G replaced by A.
Molecular consequence: intron variant.
Genome position (GRCh38, 1-based): chr3:50,194,224, G>A. VCF-style: chr3-50194224-G-A. GRCh37 (hg19) VCF-style: chr3-50231657-G-A.
Other names: c.708+3G>A (NM_000172.4).
Identifiers: ClinVar variation 1435862 (VCV001435862.6), dbSNP rs1234203687, ClinGen allele CA543052708.

ClinVar aggregate classification (germline): Uncertain significance (1 of 4 stars; one submission).

Allele frequency attached by ClinVar (database versions not stated): gnomAD exomes below 0.00001 and 0.00001; gnomAD 0.00001.

Submission:

Labcorp Genetics (formerly Invitae), Labcorp
Classification: Uncertain significance. Last evaluated: 2024-03-04. Review status: criteria provided, single submitter. Criteria: Invitae Variant Classification Sherloc (09022015). Collection method: clinical testing. Allele origin: germline.
Comment: This sequence change falls in intron 6 of the GNAT1 gene. It does not directly change the encoded amino acid sequence of the GNAT1 protein. It affects a nucleotide within the consensus splice site. This variant is present in population databases (no rsID available, gnomAD 0.02%). This variant has not been reported in the literature in individuals affected with GNAT1-related conditions. ClinVar contains an entry for this variant (Variation ID: 1435862). Variants that disrupt the consensus splice site are a relatively common cause of aberrant splicing (PMID: 17576681, 9536098). Algorithms developed to predict the effect of sequence changes on RNA splicing suggest that this variant is not likely to affect RNA splicing. In summary, the available evidence is currently insufficient to determine the role of this variant in disease. Therefore, it has been classified as a Variant of Uncertain Significance.

Literature cited by the submitters: PubMed 17576681; PubMed 9536098.